The following is an entry in ClinVar:

NM_001267550.2(TTN):c.64352T>A (p.Leu21451Ter)

Genes: TTN-AS1 (TTN antisense RNA 1; plus strand), TTN (titin; minus strand). Cytogenetic location: 2q31.2.
Variant type: single nucleotide variant.
Coding change: c.64352T>A on transcript NM_001267550.2 (MANE Select); coding-DNA position 64352, T replaced by A.
Protein change: p.Leu21451Ter; replaces leucine 21451 with a stop codon.
Molecular consequence: nonsense.
Genome position (GRCh38, 1-based): chr2:178,586,549, A>T on the plus strand (T>A on the coding strand, the complement: TTN is on the minus strand). VCF-style: chr2-178586549-A-T. GRCh37 (hg19) VCF-style: chr2-179451276-A-T.
Other names: c.59429T>A, p.Leu19810Ter (NM_001256850.1); c.37157T>A, p.Leu12386Ter (NM_003319.4); c.56648T>A, p.Leu18883Ter (NM_133378.4); c.37532T>A, p.Leu12511Ter (NM_133432.3); c.37733T>A, p.Leu12578Ter (NM_133437.4); short protein forms L21451*, L12511*, L18883*, L19810*, L12386*, L12578*.
Identifiers: ClinVar variation 580038 (VCV000580038.11), dbSNP rs777425925, ClinGen allele CA1991920.

ClinVar aggregate classification (germline): Likely pathogenic. Review status: criteria provided, multiple submitters, no conflicts (2 of 4 stars). 2 submissions from 2 submitters: Likely pathogenic (2). Last evaluated 2024-05-08.

Conditions:
Dilated cardiomyopathy 1G (CMD1G). Identifiers: Orphanet 154, MedGen C1858763, MONDO:0011400, OMIM 604145.
Autosomal recessive limb-girdle muscular dystrophy type 2J (LGMDR10). Also called: Limb-girdle muscular dystrophy, type 2J; MUSCULAR DYSTROPHY, LIMB-GIRDLE, AUTOSOMAL RECESSIVE 10. Identifiers: Orphanet 140922, MedGen C1837342, MONDO:0012127, OMIM 608807.

Allele frequency attached by ClinVar (database versions not stated): gnomAD exomes below 0.00001; ExAC 0.00001.
gnomAD v4.1: 1 of 1,613,228 alleles (0.000062%); highest among the groups gnomAD compares: Admixed American, 0.0017%; no homozygotes.

Submissions (2):

Labcorp Genetics (formerly Invitae), Labcorp
Classification: Likely pathogenic for Dilated cardiomyopathy 1G; Autosomal recessive limb-girdle muscular dystrophy type 2J. Last evaluated: 2024-05-08. Review status: criteria provided, single submitter. Criteria: Invitae Variant Classification Sherloc (09022015). Collection method: clinical testing. Allele origin: germline.
Comment: This sequence change creates a premature translational stop signal (p.Leu21451*) in the TTN gene. While this is not anticipated to result in nonsense mediated decay, it is expected to create a truncated TTN protein. This variant is present in population databases (rs777425925, gnomAD 0.003%). This variant has not been reported in the literature in individuals affected with TTN-related conditions. ClinVar contains an entry for this variant (Variation ID: 580038). This variant is located in the A band of TTN (PMID: 25589632). Truncating variants in this region are significantly overrepresented in patients affected with dilated cardiomyopathy (PMID: 25589632). Truncating variants in this region have also been reported in individuals affected with autosomal recessive centronuclear myopathy (PMID: 23975875). In summary, the currently available evidence indicates that the variant is pathogenic, but additional data are needed to prove that conclusively. Therefore, this variant has been classified as Likely Pathogenic.

Revvity Omics, Revvity
Classification: Likely pathogenic. Last evaluated: 2022-08-03. Review status: criteria provided, single submitter. Criteria: ACMG Guidelines, 2015. Collection method: clinical testing. Allele origin: germline.

Literature cited by the submitters: PubMed 25589632 (cited by Labcorp Genetics (formerly Invitae), Labcorp); PubMed 23975875 (cited by Labcorp Genetics (formerly Invitae), Labcorp).